The following is an entry in ClinVar:

NM_004370.6(COL12A1):c.2657T>C (p.Leu886Ser)

Gene: COL12A1 (collagen type XII alpha 1 chain; minus strand). Cytogenetic location: 6q13.
Variant type: single nucleotide variant.
Coding change: c.2657T>C on transcript NM_004370.6 (MANE Select); coding-DNA position 2657, T replaced by C.
Protein change: p.Leu886Ser; replaces leucine 886 with serine.
Molecular consequence: missense variant. On other transcripts: intron variant (3).
Genome position (GRCh38, 1-based): chr6:75,175,091, A>G on the plus strand (T>C on the coding strand, the complement: COL12A1 is on the minus strand). VCF-style: chr6-75175091-A-G. GRCh37 (hg19) VCF-style: chr6-75884807-A-G.
Other names: c.2657T>C, p.Leu886Ser (NM_001424113.1, NM_001424114.1); c.74-22609T>C (NM_001424116.1, NM_080645.3); c.2437+2572T>C (NM_001424115.1); short protein forms L886S.
Identifiers: ClinVar variation 3031994 (VCV003031994.3), dbSNP rs2533516646, ClinGen allele CA364761331.

ClinVar aggregate classification (germline): Uncertain significance. Review status: criteria provided, single submitter (1 of 4 stars). 2 submissions from 2 submitters: Uncertain significance (1). 1 of the submissions does not count toward it. Last evaluated 2025-06-20.

Conditions:
COL12A1-related disorder. Also called: COL12A1-related condition.

Allele frequency attached by ClinVar (database versions not stated): gnomAD exomes below 0.00001.

Submissions (2):

GeneDx
Classification: Uncertain significance. Last evaluated: 2025-06-20. Review status: criteria provided, single submitter. Criteria: GeneDx Variant Classification Process June 2021. Collection method: clinical testing. Allele origin: germline. Affected: yes.
Comment: Not observed at significant frequency in large population cohorts (gnomAD); In silico analysis suggests that this missense variant does not alter protein structure/function; Has not been previously published as pathogenic or benign to our knowledge

PreventionGenetics, part of Exact Sciences
Classification: Uncertain significance for COL12A1-related condition. Last evaluated: 2024-01-30. Review status: no assertion criteria provided. Collection method: clinical testing. Allele origin: germline. Not counted in ClinVar's aggregate classification.
Comment: The COL12A1 c.2657T>C variant is predicted to result in the amino acid substitution p.Leu886Ser. To our knowledge, this variant has not been reported in the literature or in a large population database, indicating this variant is rare. At this time, the clinical significance of this variant is uncertain due to the absence of conclusive functional and genetic evidence.